The following is an entry in ClinVar:

ClinVar aggregate classification (germline): Uncertain significance. Review status: criteria provided, multiple submitters, no conflicts (2 of 4 stars). 3 submissions from 3 submitters: Uncertain significance (3). Last evaluated 2025-07-17.

Conditions:
Hereditary cancer-predisposing syndrome. Also called: Neoplastic Syndromes, Hereditary; Tumor predisposition; Hereditary neoplastic syndrome; Hereditary Cancer Syndrome. Identifiers: Orphanet 140162, MedGen C0027672, MeSH D009386, MONDO:0015356.

Allele frequency attached by ClinVar (database versions not stated): TOPMed 0.00001.
gnomAD v4.1: 12 of 1,612,968 alleles (0.00074%); highest among the groups gnomAD compares: East Asian, 0.025%; no homozygotes.

Submissions (3):

Labcorp Genetics (formerly Invitae), Labcorp
Classification: Uncertain significance. Last evaluated: 2025-07-17. Review status: criteria provided, single submitter. Criteria: Invitae Variant Classification Sherloc (09022015). Collection method: clinical testing. Allele origin: germline.
Comment: This sequence change replaces glycine, which is neutral and non-polar, with valine, which is neutral and non-polar, at codon 17 of the HOXB13 protein (p.Gly17Val). This variant is present in population databases (no rsID available, gnomAD 0.01%). This variant has not been reported in the literature in individuals affected with HOXB13-related conditions. ClinVar contains an entry for this variant (Variation ID: 825444). An algorithm developed to predict the effect of missense changes on protein structure and function (PolyPhen-2) suggests that this variant is likely to be disruptive. In summary, the available evidence is currently insufficient to determine the role of this variant in disease. Therefore, it has been classified as a Variant of Uncertain Significance.

Ambry Genetics
Classification: Uncertain significance for Hereditary cancer-predisposing syndrome. Last evaluated: 2024-09-06. Review status: criteria provided, single submitter. Criteria: Ambry Variant Classification Scheme 2023. Collection method: clinical testing. Allele origin: germline.
Comment: The p.G17V variant (also known as c.50G>T), located in coding exon 1 of the HOXB13 gene, results from a G to T substitution at nucleotide position 50. The glycine at codon 17 is replaced by valine, an amino acid with dissimilar properties. This amino acid position is highly conserved in available vertebrate species. In addition, this alteration is predicted to be deleterious by in silico analysis. Based on the available evidence, the clinical significance of this variant remains unclear.

GeneDx
Classification: Uncertain significance. Last evaluated: 2023-03-22. Review status: criteria provided, single submitter. Criteria: GeneDx Variant Classification Process June 2021. Collection method: clinical testing. Allele origin: germline. Affected: yes.
Comment: Not observed at significant frequency in large population cohorts (gnomAD); In silico analysis supports that this missense variant has a deleterious effect on protein structure/function; Has not been previously published as pathogenic or benign to our knowledge

NM_006361.6(HOXB13):c.50G>T (p.Gly17Val)

Gene: HOXB13 (homeobox B13; minus strand). Cytogenetic location: 17q21.32.
Variant type: single nucleotide variant.
Coding change: c.50G>T on transcript NM_006361.6 (MANE Select); coding-DNA position 50, G replaced by T.
Protein change: p.Gly17Val; replaces glycine 17 with valine.
Molecular consequence: missense variant.
Genome position (GRCh38, 1-based): chr17:48,728,544, C>A on the plus strand (G>T on the coding strand, the complement: HOXB13 is on the minus strand). VCF-style: chr17-48728544-C-A. GRCh37 (hg19) VCF-style: chr17-46805906-C-A.
Other names: short protein forms G17V.
Identifiers: ClinVar variation 825444 (VCV000825444.13), dbSNP rs1156639115, ClinGen allele CA400109745.